The following is an entry in ClinVar:

ClinVar aggregate classification (germline): Benign (1 of 4 stars; one submission).

Allele frequency attached by ClinVar (database versions not stated): gnomAD 0.00961 and 0.00984; gnomAD exomes 0.21637; 1000 Genomes Project 0.46126.
gnomAD v4.1: 13,695 of 906,728 alleles (1.5%); highest among the groups gnomAD compares: South Asian, 7.2%; 1,206 homozygotes.

Submission:

GeneDx
Classification: Benign. Last evaluated: 2017-05-09. Review status: criteria provided, single submitter. Criteria: GeneDx Variant Classification (06012015). Collection method: clinical testing. Allele origin: germline. Affected: yes.
Comment: This variant is considered likely benign or benign based on one or more of the following criteria: it is a conservative change, it occurs at a poorly conserved position in the protein, it is predicted to be benign by multiple in silico algorithms, and/or has population frequency not consistent with disease.

NM_001347995.2(ENTREP1):c.1163-7A>T

Gene: ENTREP1 (endosomal transmembrane epsin interactor 1; plus strand). Cytogenetic location: 9q21.12.
Variant type: single nucleotide variant.
Coding change: c.1163-7A>T on transcript NM_001347995.2 (MANE Select); 7 bases into the intron before coding-DNA position 1163, A replaced by T.
Molecular consequence: intron variant.
Genome position (GRCh38, 1-based): chr9:69,385,788, A>T. VCF-style: chr9-69385788-A-T. GRCh37 (hg19) VCF-style: chr9-72000704-A-T.
Other names: c.704-7A>T (NM_001127608.3, NM_004816.5).
Identifiers: ClinVar variation 508117 (VCV000508117.2), dbSNP rs35925312, ClinGen allele CA193385285.